The following is an entry in ClinVar:

NM_000349.3(STAR):c.444C>A (p.Asn148Lys)

Gene: STAR (steroidogenic acute regulatory protein; minus strand). Cytogenetic location: 8p11.23.
Variant type: single nucleotide variant.
Coding change: c.444C>A on transcript NM_000349.3 (MANE Select); coding-DNA position 444, C replaced by A.
Protein change: p.Asn148Lys; replaces asparagine 148 with lysine.
Molecular consequence: missense variant.
Genome position (GRCh38, 1-based): chr8:38,146,310, G>T on the plus strand (C>A on the coding strand, the complement: STAR is on the minus strand). VCF-style: chr8-38146310-G-T. GRCh37 (hg19) VCF-style: chr8-38003828-G-T.
Other names: short protein forms N148K.
Identifiers: ClinVar variation 4062012 (VCV004062012.2).

ClinVar aggregate classification (germline): Likely pathogenic (1 of 4 stars; one submission).

Conditions:
Congenital lipoid adrenal hyperplasia due to STAR deficency. Also called: ADRENAL HYPERPLASIA I; Cholesterol monooxygenase (side-chain cleaving) deficiency; Congenital Lipoid Adrenal Hyperplasia; Lipoid adrenal hyperplasia. Identifiers: Orphanet 418, Orphanet 90790, MedGen C0342474, MONDO:0008725, OMIM 201710.

gnomAD v4.1: 2 of 1,613,996 alleles (0.00012%); highest among the groups gnomAD compares: Non-Finnish European, 0.00017%; no homozygotes.

Submission:

Natera, Inc.
Classification: Likely pathogenic for Congenital lipoid adrenal hyperplasia. Last evaluated: 2025-01-30. Review status: criteria provided, single submitter. Criteria: Natera Variant Classification Schema (03/2026). Collection method: clinical testing. Allele origin: germline.
Comment: The c.444C>A variant in STAR is a missense variant predicted to cause substitution of asparagine to lysine at amino acid 148. This variant is rare in the general population with a frequency below the threshold expected for the associated phenotype(s). This variant has been observed in one or more individuals affected with the associated recessive disease, as either homozygous or compound heterozygous with a second variant (PMID: 20080861, 27047663, 16449336). Functional studies show that this variant may disrupt protein function (PMID: 20080861). Computational prediction algorithms indicate this variant is likely to affect gene or protein function. Given the available evidence, this variant is classified as Likely Pathogenic.

Literature cited by the submitters: PubMed 20080861; PubMed 27047663; PubMed 16449336.